The following is an entry in ClinVar:

ClinVar aggregate classification (germline): Uncertain significance (1 of 4 stars; one submission).

Submission:

Women's Health and Genetics/Laboratory Corporation of America, LabCorp
Classification: Uncertain significance. Last evaluated: 2025-12-29. Review status: criteria provided, single submitter. Criteria: LabCorp Variant Classification Summary - May 2015. Collection method: clinical testing. Allele origin: germline.
Comment: Variant summary: CNTNAP1 c.2500C>T (p.Arg834Cys) results in a non-conservative amino acid change in the encoded protein sequence. Algorithms developed to predict the effect of missense changes on protein structure and function are either unavailable or do not agree on the potential impact of this missense change. The variant allele was found at a frequency of 1.2e-05 in 251224 control chromosomes. The available data on variant occurrences in the general population are insufficient to allow any conclusion about variant significance. To our knowledge, no occurrence of c.2500C>T in individuals affected with CNTNAP1-related conditions and no experimental evidence demonstrating its impact on protein function have been reported. No submitters have cited clinical-significance assessments for this variant to ClinVar. Based on the evidence outlined above, the variant was classified as uncertain significance.

NM_003632.3(CNTNAP1):c.2500C>T (p.Arg834Cys)

Gene: CNTNAP1 (contactin associated protein 1; plus strand). Cytogenetic location: 17q21.2.
Variant type: single nucleotide variant.
Coding change: c.2500C>T on transcript NM_003632.3 (MANE Select); coding-DNA position 2500, C replaced by T.
Protein change: p.Arg834Cys; replaces arginine 834 with cysteine.
Molecular consequence: missense variant.
Genome position (GRCh38, 1-based): chr17:42,691,961, C>T. VCF-style: chr17-42691961-C-T. GRCh37 (hg19) VCF-style: chr17-40843979-C-T.
Other names: short protein forms R834C.
Identifiers: ClinVar variation 4688729 (VCV004688729.1).
Genomic context (GRCh38, chr17:42,691,961, plus strand): 5'-AGGACCTCTGCTCCCTCGGGGGTCTTCCTAGAGAATATGGGGGGCCCTTACTGCCAGTGG[C>T]GCCGACCTTATGTGCGGGTGGAACTCAACAGTGAGCAGGCAGACTGTGGGAGGGCCTCGG-3'
Protein context (NP_003623.1, residues 824-844): ENMGGPYCQW[Arg834Cys]RPYVRVELNT